The following is an entry in ClinVar:

ClinVar aggregate classification (germline): Pathogenic. Review status: criteria provided, multiple submitters, no conflicts (2 of 4 stars). 2 submissions from 2 submitters: Pathogenic (2). Last evaluated 2026-01-19.

Conditions:
Propionic acidemia (PROP). Also called: GLYCINEMIA, KETOTIC; HYPERGLYCINEMIA WITH KETOACIDOSIS AND LEUKOPENIA; KETOTIC HYPERGLYCINEMIA. Identifiers: Orphanet 35, MedGen C0268579, MONDO:0011628, OMIM 606054, HP:0003571.

Submissions (2):

Labcorp Genetics (formerly Invitae), Labcorp
Classification: Pathogenic for Propionic acidemia. Last evaluated: 2026-01-19. Review status: criteria provided, single submitter. Criteria: Invitae Variant Classification Sherloc (09022015). Collection method: clinical testing. Allele origin: germline.
Comment: This sequence change creates a premature translational stop signal (p.Thr191Lysfs*8) in the PCCA gene. It is expected to result in an absent or disrupted protein product. Loss-of-function variants in PCCA are known to be pathogenic (PMID: 15464417). This variant is not present in population databases (gnomAD no frequency). This variant has not been reported in the literature in individuals affected with PCCA-related conditions. For these reasons, this variant has been classified as Pathogenic.

Myriad Genetics, Inc.
Classification: Pathogenic for Propionic acidemia. Last evaluated: 2025-07-23. Review status: criteria provided, single submitter. Criteria: Myriad Autosomal Dominant, Autosomal Recessive and X-Linked Classification Criteria (2023). Collection method: clinical testing. Allele origin: unknown.
Comment: NM_000282.3(PCCA):c.572delC(T191Kfs*8) is expected to be pathogenic in the context of PCCA-related propionic acidemia. This variant is predicted to lead to an abnormal or absent protein product due to the creation of a premature termination codon in PCCA, a gene where loss-of-function variants are known to be pathogenic. Please note: this variant was assessed in the context of healthy population screening.

Literature cited by the submitters: PubMed 15464417 (cited by Labcorp Genetics (formerly Invitae), Labcorp).

NM_000282.4(PCCA):c.572del (p.Thr191fs)

Gene: PCCA (propionyl-CoA carboxylase subunit alpha; plus strand). Cytogenetic location: 13q32.3.
Variant type: Deletion.
Coding change: c.572del on transcript NM_000282.4 (MANE Select); coding-DNA position 572, one base deleted (C; older notation c.572delC).
Protein change: p.Thr191fs; shifts the reading frame from threonine 191.
Molecular consequence: frameshift variant. On other transcripts: 5 prime UTR variant (3), non-coding transcript variant (5).
Genome position (GRCh38, 1-based): chr13:100,209,435, C deleted. VCF-style (leftmost placement, unchanged base first): chr13-100209434-AC-A. GRCh37 (hg19) VCF-style: chr13-100861688-AC-A.
Other names: c.494del, p.Thr165fs (NM_001127692.3, NM_001352607.2, NM_001352608.2); c.572del, p.Thr191fs (NM_001178004.2, NM_001352605.2, NM_001352606.2 and 1 more transcripts); c.-295del (NM_001352610.2, NM_001352611.2, NM_001352612.2); short protein forms T165fs, T191fs.
Identifiers: ClinVar variation 4763620 (VCV004763620.2).